The following is an entry in ClinVar:

ClinVar aggregate classification (germline): Likely benign (1 of 4 stars; one submission).

Submission:

CeGaT Center for Human Genetics Tuebingen
Classification: Likely benign. Last evaluated: 2022-11-01. Review status: criteria provided, single submitter. Criteria: CeGaT Center For Human Genetics Tuebingen Variant Classification Criteria Version 2. Collection method: clinical testing. Allele origin: germline. Affected: yes. Observed: 3 variant alleles.
Comment: APC: BS1

NM_000038.6(APC):c.*414del

Gene: APC (APC regulator of Wnt signaling pathway; plus strand). Cytogenetic location: 5q22.2.
Variant type: Deletion.
Coding change: c.*414del on transcript NM_000038.6 (MANE Select); 414 bases downstream of the stop codon, one base deleted (A; older notation c.*414delA).
Molecular consequence: 3 prime UTR variant.
Genome position (GRCh38, 1-based): chr5:112,844,540, A deleted; the last of 9 consecutive A bases (chr5:112,844,532-112,844,540); deleting any one gives the same sequence. VCF-style (leftmost placement, unchanged base first): chr5-112844531-CA-C. GRCh37 (hg19) VCF-style: chr5-112180228-CA-C.
Other names: c.*414del (NM_001127510.3, NM_001127511.3, NM_001354895.2 and 11 more transcripts).
Identifiers: ClinVar variation 1701481 (VCV001701481.31), dbSNP rs397817775, ClinGen allele CA445968084.
Genomic context (GRCh38, chr5:112,844,531, plus strand): 5'-TCAATCATTTCTAGATTATAAACTGACTAAACTTACATCAGGGAAAAATTGGTATTTATG[CA>C]AAAAAAAATGTTTTTGTCCTTGTGAGTCCATCTAACATCATAATTAATCATGTGGCTGTG-3'